The following is an entry in ClinVar:

ClinVar aggregate classification (germline): Uncertain significance (1 of 4 stars; one submission).

Submission:

Labcorp Genetics (formerly Invitae), Labcorp
Classification: Uncertain significance. Last evaluated: 2024-10-05. Review status: criteria provided, single submitter. Criteria: Invitae Variant Classification Sherloc (09022015). Collection method: clinical testing. Allele origin: germline.
Comment: This sequence change replaces proline, which is neutral and non-polar, with cysteine, which is neutral and slightly polar, at codon 509 of the VCAN protein (p.Pro509Cys). This variant is present in population databases (no rsID available, gnomAD 0.001%). This variant has not been reported in the literature in individuals affected with VCAN-related conditions. ClinVar contains an entry for this variant (Variation ID: 1038603). An algorithm developed to predict the effect of missense changes on protein structure and function (PolyPhen-2) suggests that this variant is likely to be disruptive. In summary, the available evidence is currently insufficient to determine the role of this variant in disease. Therefore, it has been classified as a Variant of Uncertain Significance.

NM_004385.5(VCAN):c.1525_1526delinsTG (p.Pro509Cys)

Gene: VCAN (versican; plus strand). Cytogenetic location: 5q14.3.
Variant type: Indel.
Coding change: c.1525_1526delinsTG on transcript NM_004385.5 (MANE Select); coding-DNA positions 1525 to 1526, CC replaced by TG.
Protein change: p.Pro509Cys; replaces proline 509 with cysteine.
Molecular consequence: missense variant. On other transcripts: intron variant (2).
Genome position (GRCh38, 1-based): chr5:83,519,831-83,519,832, CC replaced by TG. VCF-style: chr5-83519831-CC-TG. GRCh37 (hg19) VCF-style: chr5-82815650-CC-TG.
Other names: c.1525_1526delinsTG, p.Pro509Cys (NM_001164098.2); c.1042+7435_1042+7436delinsTG (NM_001164097.2, NM_001126336.3); short protein forms P509C.
Identifiers: ClinVar variation 1038603 (VCV001038603.8), dbSNP rs1746010663, ClinGen allele CA1559744138.
Genomic context (GRCh38, chr5:83,519,831, plus strand): 5'-CAGATTGAACAAATAGAAGTGGGTCCTTTGGTAACATCTATGGAAATCTTAAAGCACATT[CC>TG]TTCCAAGGAATTCCCTGTAACTGAAACACCATTGGTAACTGCAAGAATGATCCTGGAATC-3'
Protein context (NP_004376.2, residues 499-519): VTSMEILKHI[Pro509Cys]SKEFPVTETP